The following is an entry in ClinVar:

NM_005120.3(MED12):c.934G>A (p.Val312Met)

Gene: MED12 (mediator complex subunit 12; plus strand). Cytogenetic location: Xq13.1.
Variant type: single nucleotide variant.
Coding change: c.934G>A on transcript NM_005120.3 (MANE Select); coding-DNA position 934, G replaced by A.
Protein change: p.Val312Met; replaces valine 312 with methionine.
Molecular consequence: missense variant.
Genome position (GRCh38, 1-based): chrX:71,121,649, G>A. VCF-style: chrX-71121649-G-A. GRCh37 (hg19) VCF-style: chrX-70341499-G-A.
Other names: short protein forms V312M.
Identifiers: ClinVar variation 1404595 (VCV001404595.8), dbSNP rs377403264, ClinGen allele CA413504668.
Genomic context (GRCh38, chrX:71,121,649, plus strand): 5'-TACCTGTCCCGCCGGCTTGCCTACTTCTGTACACGGAGACTGGCCCTGCAGCTGGATGGT[G>A]TGAGCAGTCACTCATCTCATGTTATATCTGCTCAGTCAACAAGCACGCTACCCACCACCC-3'
Protein context (NP_005111.2, residues 302-322): TRRLALQLDG[Val312Met]SSHSSHVISA

ClinVar aggregate classification (germline): Uncertain significance (1 of 4 stars; one submission).

Conditions:
FG syndrome (FGS). Identifiers: MedGen C0220769, MONDO:0002010.

Submission:

Labcorp Genetics (formerly Invitae), Labcorp
Classification: Uncertain significance for FG syndrome. Last evaluated: 2021-01-20. Review status: criteria provided, single submitter. Criteria: Invitae Variant Classification Sherloc (09022015). Collection method: clinical testing. Allele origin: germline.
Comment: This sequence change replaces valine with methionine at codon 312 of the MED12 protein (p.Val312Met). The valine residue is moderately conserved and there is a small physicochemical difference between valine and methionine. This variant is not present in population databases (ExAC no frequency). This variant has not been reported in the literature in individuals with MED12-related conditions. Advanced modeling of protein sequence and biophysical properties (such as structural, functional, and spatial information, amino acid conservation, physicochemical variation, residue mobility, and thermodynamic stability) performed at Invitae indicates that this missense variant is not expected to disrupt MED12 protein function. In summary, the available evidence is currently insufficient to determine the role of this variant in disease. Therefore, it has been classified as a Variant of Uncertain Significance.